The following is an entry in ClinVar:

ClinVar aggregate classification (germline): Benign. Review status: criteria provided, single submitter (1 of 4 stars). 2 submissions from 2 submitters: Benign (1). 1 of the submissions does not count toward it. Last evaluated 2023-01-23.

Conditions:
GDAP2-related disorder. Also called: GDAP2-related condition.

Allele frequency attached by ClinVar (database versions not stated): 1000 Genomes Project 30x 0.02623; 1000 Genomes Project 0.02436; TOPMed 0.02800; ESP Exome Variant Server 0.02976; gnomAD 0.02539.
gnomAD v4.1: 7,572 of 1,608,754 alleles (0.47%); highest among the groups gnomAD compares: African/African-American, 8.7%; 288 homozygotes.

Submissions (2):

Mayo Clinic Laboratories, Mayo Clinic
Classification: Benign. Last evaluated: 2023-01-23. Review status: criteria provided, single submitter. Criteria: ACMG Guidelines, 2015. Collection method: clinical testing. Allele origin: germline. Observed: 9 variant alleles.

PreventionGenetics, part of Exact Sciences
Classification: Benign for GDAP2-related condition. Last evaluated: 2019-07-29. Review status: no assertion criteria provided. Collection method: clinical testing. Allele origin: germline. Not counted in ClinVar's aggregate classification.
Comment: This variant is classified as benign based on ACMG/AMP sequence variant interpretation guidelines (Richards et al. 2015 PMID: 25741868, with internal and published modifications).

NM_017686.4(GDAP2):c.264T>C (p.Ser88=)

Gene: GDAP2 (ganglioside induced differentiation associated protein 2; minus strand). Cytogenetic location: 1p12.
Variant type: single nucleotide variant.
Coding change: c.264T>C on transcript NM_017686.4 (MANE Select); coding-DNA position 264, T replaced by C.
Protein change: p.Ser88=; no amino-acid change (serine 88 retained).
Molecular consequence: synonymous variant.
Genome position (GRCh38, 1-based): chr1:117,918,649, A>G on the plus strand (T>C on the coding strand, the complement: GDAP2 is on the minus strand). VCF-style: chr1-117918649-A-G. GRCh37 (hg19) VCF-style: chr1-118461271-A-G.
Other names: p.Ser88=; c.264T>C, p.Ser88= (NM_001135589.3).
Identifiers: ClinVar variation 3037489 (VCV003037489.3), dbSNP rs12070959, ClinGen allele CA1031717.